The following is an entry in ClinVar:

ClinVar aggregate classification (germline): Pathogenic/Likely pathogenic. Review status: criteria provided, multiple submitters, no conflicts (2 of 4 stars). 3 submissions from 3 submitters: Pathogenic (1); Likely pathogenic (1). 1 of the submissions does not count toward it. Last evaluated 2024-03-28.

Conditions:
Polycystic kidney disease 4 (PKD4). Also called: POLYCYSTIC KIDNEY AND HEPATIC DISEASE 1; POLYCYSTIC KIDNEY DISEASE, INFANTILE, TYPE I; POLYCYSTIC KIDNEY DISEASE 4 WITH OR WITHOUT POLYCYSTIC LIVER DISEASE; PKD3; Autosomal Recessive Polycystic Kidney Disease – PKHD1. Identifiers: MedGen C4540575, MONDO:0033004, OMIM 263200.
Autosomal recessive polycystic kidney disease (ARPKD). Also called: AR polycystic kidney disease. Identifiers: Orphanet 731, Orphanet 8378, MedGen C0085548, MeSH D017044, MONDO:0009889.

Submissions (3):

Natera, Inc.
Classification: Likely pathogenic for Autosomal recessive polycystic kidney disease. Last evaluated: 2024-03-28. Review status: criteria provided, single submitter. Criteria: Natera Variant Classification Schema (03/2026). Collection method: clinical testing. Allele origin: germline.
Comment: The c.2192C>A variant in PKHD1 is a nonsense variant predicted to introduce a stop codon at amino acid 731. This variant is expected to result in nonsense mediated decay, truncation, or a dysfunctional protein product. This variant is rare in the general population with a frequency below the threshold expected for the associated phenotype(s). Given the available evidence, this variant is classified as Likely Pathogenic.

Victorian Clinical Genetics Services, Murdoch Childrens Research Institute
Classification: Pathogenic for Polycystic kidney disease 4. Last evaluated: 2022-02-02. Review status: criteria provided, single submitter. Criteria: ACMG Guidelines, 2015. Collection method: clinical testing. Allele origin: germline. Inheritance: Autosomal recessive inheritance. Affected: yes.
Comment: Based on the classification scheme VCGS_Germline_v1.3.4, this variant is classified as Pathogenic. Following criteria are met: 0102 - Loss of function is a known mechanism of disease in this gene and is associated with polycystic kidney disease 4, with or without hepatic disease (MIM#263200). (I) 0106 - This gene is associated with autosomal recessive disease. (I) 0115 - Variants in this gene are known to have variable expressivity. There is significant intrafamilial variation of severity (GeneReviews). (I) 0201 - Variant is predicted to cause nonsense-mediated decay (NMD) and loss of protein (premature termination codon is located at least 54 nucleotides upstream of the final exon-exon junction). (SP) 0251 - This variant is heterozygous. (I) 0301 - Variant is absent from gnomAD (both v2 and v3). (SP) 0701 - Other NMD variants comparable to the one identified in this case have very strong previous evidence for pathogenicity (ClinVar, DECIPHER). (SP) 0803 - This variant has limited previous evidence of pathogenicity as it has been classified as likely pathogenic in ClinVar. (I) Legend: (SP) - Supporting pathogenic, (I) - Information, (SB) - Supporting benign

Counsyl
Classification: Likely pathogenic for Polycystic kidney disease 4. Last evaluated: 2016-03-02. Review status: no assertion criteria provided. Collection method: clinical testing. Allele origin: unknown. Not counted in ClinVar's aggregate classification.

NM_138694.4(PKHD1):c.2192C>A (p.Ser731Ter)

Gene: PKHD1 (PKHD1 ciliary IPT domain containing fibrocystin/polyductin; minus strand). Cytogenetic location: 6p12.2.
Variant type: single nucleotide variant.
Coding change: c.2192C>A on transcript NM_138694.4 (MANE Select); coding-DNA position 2192, C replaced by A.
Protein change: p.Ser731Ter; replaces serine 731 with a stop codon.
Molecular consequence: nonsense.
Genome position (GRCh38, 1-based): chr6:52,050,244, G>T on the plus strand (C>A on the coding strand, the complement: PKHD1 is on the minus strand). VCF-style: chr6-52050244-G-T. GRCh37 (hg19) VCF-style: chr6-51915042-G-T.
Other names: c.2192C>A, p.Ser731Ter (NM_170724.3); short protein forms S731*.
Identifiers: ClinVar variation 370586 (VCV000370586.4), dbSNP rs1057516608, ClinGen allele CA16041068.